The following is an entry in ClinVar:

NM_005475.3(SH2B3):c.469G>A (p.Ala157Thr)

Gene: SH2B3 (SH2B adaptor protein 3; plus strand). Cytogenetic location: 12q24.12.
Variant type: single nucleotide variant.
Coding change: c.469G>A on transcript NM_005475.3 (MANE Select); coding-DNA position 469, G replaced by A.
Protein change: p.Ala157Thr; replaces alanine 157 with threonine.
Molecular consequence: missense variant.
Genome position (GRCh38, 1-based): chr12:111,418,614, G>A. VCF-style: chr12-111418614-G-A. GRCh37 (hg19) VCF-style: chr12-111856418-G-A.
Other names: short protein forms A157T.
Identifiers: ClinVar variation 3440763 (VCV003440763.1).

ClinVar aggregate classification (germline): Uncertain significance (1 of 4 stars; one submission).

Conditions:
Inborn genetic diseases. Identifiers: MedGen C0950123, MeSH D030342.

gnomAD v4.1: 4 of 1,483,112 alleles (0.00027%); highest among the groups gnomAD compares: African/African-American, 0.0044%; no homozygotes.

Submission:

Ambry Genetics
Classification: Uncertain significance for Inborn genetic diseases. Last evaluated: 2024-11-22. Review status: criteria provided, single submitter. Criteria: Ambry Variant Classification Scheme 2023. Collection method: clinical testing. Allele origin: germline.
Comment: The p.A157T variant (also known as c.469G>A), located in coding exon 1 of the SH2B3 gene, results from a G to A substitution at nucleotide position 469. The alanine at codon 157 is replaced by threonine, an amino acid with similar properties. This amino acid position is conserved. In addition, this alteration is predicted to be tolerated by in silico analysis. Based on the available evidence, the clinical significance of this variant remains unclear.